The following is an entry in ClinVar:

NM_001083619.3(GRIA2):c.1126A>G (p.Met376Val)

Gene: GRIA2 (glutamate ionotropic receptor AMPA type subunit 2; plus strand). Cytogenetic location: 4q32.1.
Variant type: single nucleotide variant.
Coding change: c.1126A>G on transcript NM_001083619.3 (MANE Select); coding-DNA position 1126, A replaced by G.
Protein change: p.Met376Val; replaces methionine 376 with valine.
Molecular consequence: missense variant.
Genome position (GRCh38, 1-based): chr4:157,333,324, A>G. VCF-style: chr4-157333324-A-G. GRCh37 (hg19) VCF-style: chr4-158254476-A-G.
Other names: c.1126A>G, p.Met376Val (NM_000826.6); c.985A>G, p.Met329Val (NM_001083620.3, NM_001379000.3, NM_001379001.3); short protein forms M329V, M376V.
Identifiers: ClinVar variation 1334662 (VCV001334662.4), dbSNP rs2126933265, ClinGen allele CA358647037.

ClinVar aggregate classification (germline): Uncertain significance (1 of 4 stars; one submission).

Submission:

Greenwood Genetic Center Diagnostic Laboratories, Greenwood Genetic Center
Classification: Uncertain significance. Last evaluated: 2021-11-17. Review status: criteria provided, single submitter. Criteria: ACMG Guidelines, 2015. Collection method: clinical testing. Allele origin: germline. Affected: yes.
Comment: PP2, PP3, PM2